The following is an entry in ClinVar:

NM_173477.5(USH1G):c.847G>A (p.Val283Ile)

Gene: USH1G (USH1 protein network component sans; minus strand). Cytogenetic location: 17q25.1.
Variant type: single nucleotide variant.
Coding change: c.847G>A on transcript NM_173477.5 (MANE Select); coding-DNA position 847, G replaced by A.
Protein change: p.Val283Ile; replaces valine 283 with isoleucine.
Molecular consequence: missense variant.
Genome position (GRCh38, 1-based): chr17:74,919,989, C>T on the plus strand (G>A on the coding strand, the complement: USH1G is on the minus strand). VCF-style: chr17-74919989-C-T. GRCh37 (hg19) VCF-style: chr17-72916084-C-T.
Other names: c.538G>A, p.Val180Ile (NM_001282489.3); short protein forms V180I, V283I.
Identifiers: ClinVar variation 1331139 (VCV001331139.2), dbSNP rs1567939731, ClinGen allele CA400962975.

ClinVar aggregate classification (germline): Uncertain significance (1 of 4 stars; one submission).

Allele frequency attached by ClinVar (database versions not stated): gnomAD exomes below 0.00001 and 0.00001.

Submission:

GeneDx
Classification: Uncertain significance. Last evaluated: 2021-06-28. Review status: criteria provided, single submitter. Criteria: GeneDx Variant Classification Process June 2021. Collection method: clinical testing. Allele origin: germline. Affected: yes.
Comment: Not observed at significant frequency in large population cohorts (Lek et al., 2016); In silico analysis supports that this missense variant does not alter protein structure/function; Has not been previously published as pathogenic or benign to our knowledge; This variant is associated with the following publications: (PMID: 27535533)